The following is an entry in ClinVar:

NM_001372.4(DNAH9):c.4024C>T (p.His1342Tyr)

Gene: DNAH9 (dynein axonemal heavy chain 9; plus strand). Cytogenetic location: 17p12.
Variant type: single nucleotide variant.
Coding change: c.4024C>T on transcript NM_001372.4 (MANE Select); coding-DNA position 4024, C replaced by T.
Protein change: p.His1342Tyr; replaces histidine 1342 with tyrosine.
Molecular consequence: missense variant.
Genome position (GRCh38, 1-based): chr17:11,689,846, C>T. VCF-style: chr17-11689846-C-T. GRCh37 (hg19) VCF-style: chr17-11593163-C-T.
Other names: short protein forms H1342Y.
Identifiers: ClinVar variation 1347955 (VCV001347955.6), dbSNP rs112120719, ClinGen allele CA287809414.

ClinVar aggregate classification (germline): Uncertain significance (1 of 4 stars; one submission).

Allele frequency attached by ClinVar (database versions not stated): gnomAD exomes below 0.00001; TOPMed below 0.00001; gnomAD 0.00001.
gnomAD v4.1: 9 of 1,612,202 alleles (0.00056%); highest among the groups gnomAD compares: African/African-American, 0.0013%; no homozygotes.

Submission:

Labcorp Genetics (formerly Invitae), Labcorp
Classification: Uncertain significance. Last evaluated: 2024-03-11. Review status: criteria provided, single submitter. Criteria: Invitae Variant Classification Sherloc (09022015). Collection method: clinical testing. Allele origin: germline.
Comment: This sequence change replaces histidine, which is basic and polar, with tyrosine, which is neutral and polar, at codon 1342 of the DNAH9 protein (p.His1342Tyr). This variant is present in population databases (rs112120719, gnomAD 0.01%). This variant has not been reported in the literature in individuals affected with DNAH9-related conditions. ClinVar contains an entry for this variant (Variation ID: 1347955). Advanced modeling of protein sequence and biophysical properties (such as structural, functional, and spatial information, amino acid conservation, physicochemical variation, residue mobility, and thermodynamic stability) performed at Invitae indicates that this missense variant is not expected to disrupt DNAH9 protein function with a negative predictive value of 80%. In summary, the available evidence is currently insufficient to determine the role of this variant in disease. Therefore, it has been classified as a Variant of Uncertain Significance.